The following is an entry in ClinVar:

ClinVar aggregate classification (germline): Uncertain significance (1 of 4 stars; one submission).

Conditions:
DNMT3A-related disorder. Also called: DNMT3A-related disorders; DNMT3A-related condition.

Allele frequency attached by ClinVar (database versions not stated): gnomAD exomes below 0.00001; TOPMed below 0.00001.
gnomAD v4.1: 1 of 1,613,988 alleles (0.000062%); highest among the groups gnomAD compares: Non-Finnish European, 0.000085%; no homozygotes.

Submission:

PreventionGenetics, part of Exact Sciences
Classification: Uncertain significance for DNMT3A-related condition. Last evaluated: 2023-08-04. Review status: criteria provided, single submitter. Criteria: ACMG Guidelines, 2015. Collection method: clinical testing. Allele origin: germline.
Comment: The DNMT3A c.2626G>A variant is predicted to result in the amino acid substitution p.Asp876Asn. To our knowledge, this variant has not been reported in the literature or in a large population database, indicating this variant is rare. At this time, the clinical significance of this variant is uncertain due to the absence of conclusive functional and genetic evidence.

NM_022552.5(DNMT3A):c.2626G>A (p.Asp876Asn)

Gene: DNMT3A (DNA methyltransferase 3 alpha; minus strand). Cytogenetic location: 2p23.3.
Variant type: single nucleotide variant.
Coding change: c.2626G>A on transcript NM_022552.5 (MANE Select); coding-DNA position 2626, G replaced by A.
Protein change: p.Asp876Asn; replaces aspartic acid 876 with asparagine.
Molecular consequence: missense variant. On other transcripts: non-coding transcript variant (1).
Genome position (GRCh38, 1-based): chr2:25,234,392, C>T on the plus strand (G>A on the coding strand, the complement: DNMT3A is on the minus strand). VCF-style: chr2-25234392-C-T. GRCh37 (hg19) VCF-style: chr2-25457261-C-T.
Other names: c.2170G>A, p.Asp724Asn (NM_001320893.1); c.1957G>A, p.Asp653Asn (NM_001375819.1); c.2059G>A, p.Asp687Asn (NM_153759.3); c.2626G>A, p.Asp876Asn (NM_175629.2); short protein forms D653N, D687N, D724N, D876N.
Identifiers: ClinVar variation 2631447 (VCV002631447.1), dbSNP rs992291948, ClinGen allele CA43695979.